The following is an entry in ClinVar:

NM_000090.4(COL3A1):c.1851_1855delinsAG (p.Gly618_Pro619delinsAla)

Gene: COL3A1 (collagen type III alpha 1 chain; plus strand). Cytogenetic location: 2q32.2.
Variant type: Indel.
Coding change: c.1851_1855delinsAG on transcript NM_000090.4 (MANE Select); coding-DNA positions 1851 to 1855, GGGAC replaced by AG.
Protein change: p.Gly618_Pro619delinsAla.
Molecular consequence: inframe indel.
Genome position (GRCh38, 1-based): chr2:188,997,371-188,997,375, GGGAC replaced by AG. VCF-style: chr2-188997371-GGGAC-AG. GRCh37 (hg19) VCF-style: chr2-189862097-GGGAC-AG.
Identifiers: ClinVar variation 663637 (VCV000663637.6), dbSNP rs1576467133, ClinGen allele CA915942282.

ClinVar aggregate classification (germline): Likely pathogenic (1 of 4 stars; one submission).

Conditions:
Ehlers-Danlos syndrome, type 4 (EDSVASC). Also called: Ehlers-Danlos syndrome vascular type; Ehlers Danlos syndrome, ecchymotic type; Ehlers Danlos syndrome, arterial type; Ehlers Danlos syndrome, Sack-Barabas type; Ehlers-Danlos Syndrome Type IV. Identifiers: Orphanet 286, MedGen C0268338, MONDO:0017314, OMIM 130050.

Submission:

Labcorp Genetics (formerly Invitae), Labcorp
Classification: Likely pathogenic for Ehlers-Danlos syndrome, type 4. Last evaluated: 2022-07-19. Review status: criteria provided, single submitter. Criteria: Invitae Variant Classification Sherloc (09022015). Collection method: clinical testing. Allele origin: germline.
Comment: In summary, the currently available evidence indicates that the variant is pathogenic, but additional data are needed to prove that conclusively. Therefore, this variant has been classified as Likely Pathogenic. This variant, c.1851_1855delinsAG, is a complex sequence change that results in the deletion of 2 amino acids and insertion of 1 amino acid(s) in the COL3A1 protein (p.Gly618_Pro619delinsAla). This variant is not present in population databases (gnomAD no frequency). This variant has not been reported in the literature in individuals affected with COL3A1-related conditions. This variant disrupts the triple helix domain of COL3A1. Glycine residues within the Gly-Xaa-Yaa repeats of the triple helix domain are required for the structure and stability of fibrillar collagens (PMID: 7695699, 8218237, 19344236). In COL3A1, variants that affect these glycine residues are significantly enriched in individuals with disease (PMID: 24922459, 25758994) compared to the general population (ExAC).

Literature cited by the submitters: PubMed 7695699; PubMed 8218237; PubMed 19344236; PubMed 24922459; PubMed 25758994.